The following is an entry in ClinVar:

NM_006950.3(SYN1):c.794C>T (p.Pro265Leu)

Genes: SYN1 (synapsin I; minus strand), LOC121627969 (Sharpr-MPRA regulatory region 5152; plus strand). Cytogenetic location: Xp11.3.
Variant type: single nucleotide variant.
Coding change: c.794C>T on transcript NM_006950.3 (MANE Select); coding-DNA position 794, C replaced by T.
Protein change: p.Pro265Leu; replaces proline 265 with leucine.
Molecular consequence: missense variant.
Genome position (GRCh38, 1-based): chrX:47,577,482, G>A on the plus strand (C>T on the coding strand, the complement: SYN1 is on the minus strand). VCF-style: chrX-47577482-G-A. GRCh37 (hg19) VCF-style: chrX-47436881-G-A.
Other names: c.794C>T, p.Pro265Leu (NM_133499.2); short protein forms P265L.
Identifiers: ClinVar variation 1487051 (VCV001487051.6), dbSNP rs2057781537, ClinGen allele CA412827826.

ClinVar aggregate classification (germline): Uncertain significance (1 of 4 stars; one submission).

Conditions:
Epilepsy, X-linked 1, with variable learning disabilities and behavior disorders. Also called: X-linked epilepsy-learning disabilities-behavior disorders syndrome. Identifiers: Orphanet 85294, MedGen C5774177, MONDO:0010339, OMIM 300491.

Allele frequency attached by ClinVar (database versions not stated): TOPMed below 0.00001.

Submission:

Labcorp Genetics (formerly Invitae), Labcorp
Classification: Uncertain significance for Epilepsy, X-linked 1, with variable learning disabilities and behavior disorders. Last evaluated: 2021-09-27. Review status: criteria provided, single submitter. Criteria: Invitae Variant Classification Sherloc (09022015). Collection method: clinical testing. Allele origin: germline.
Comment: This variant is not present in population databases (ExAC no frequency). This variant has not been reported in the literature in individuals affected with SYN1-related conditions. This sequence change replaces proline with leucine at codon 265 of the SYN1 protein (p.Pro265Leu). The proline residue is highly conserved and there is a moderate physicochemical difference between proline and leucine. In summary, the available evidence is currently insufficient to determine the role of this variant in disease. Therefore, it has been classified as a Variant of Uncertain Significance. Algorithms developed to predict the effect of missense changes on protein structure and function are either unavailable or do not agree on the potential impact of this missense change (SIFT: "Deleterious"; PolyPhen-2: "Probably Damaging"; Align-GVGD: "Class C0").